The following is an entry in ClinVar:

ClinVar aggregate classification (germline): Pathogenic (1 of 4 stars; one submission).

Conditions:
Congenital myasthenic syndrome 5. Identifiers: Orphanet 590, MedGen C1864233, MONDO:0011281, OMIM 603034.

Submission:

Labcorp Genetics (formerly Invitae), Labcorp
Classification: Pathogenic for Congenital myasthenic syndrome 5. Last evaluated: 2025-01-15. Review status: criteria provided, single submitter. Criteria: Invitae Variant Classification Sherloc (09022015). Collection method: clinical testing. Allele origin: germline.
Comment: This sequence change results in a frameshift in the COLQ gene (p.Gly436Alafs*71). While this is not anticipated to result in nonsense mediated decay, it is expected to disrupt the last 20 amino acid(s) of the COLQ protein and extend the protein by 50 additional amino acid residues. This variant is not present in population databases (gnomAD no frequency). This variant has not been reported in the literature in individuals affected with COLQ-related conditions. This variant disrupts a region of the COLQ protein in which other variant(s) (p.Thr441Ala) have been determined to be pathogenic (PMID: 15248101, 18180250, 22678886; internal data). This suggests that this is a clinically significant region of the protein, and that variants that disrupt it are likely to be disease-causing. For these reasons, this variant has been classified as Pathogenic.

Literature cited by the submitters: PubMed 15248101; PubMed 18180250; PubMed 22678886.

NM_005677.4(COLQ):c.1307_1314del (p.Gly436fs)

Gene: COLQ (collagen like tail subunit of asymmetric acetylcholinesterase; minus strand). Cytogenetic location: 3p25.1.
Variant type: Deletion.
Coding change: c.1307_1314del on transcript NM_005677.4 (MANE Select); coding-DNA positions 1307 to 1314, 8 bases deleted (GAGACCTG; older notation c.1307_1314delGAGACCTG).
Protein change: p.Gly436fs; shifts the reading frame from glycine 436.
Molecular consequence: frameshift variant.
Genome position (GRCh38, 1-based): chr3:15,451,698-15,451,705, CAGGTCTC deleted on the plus strand (GAGACCTG on the coding strand, the reverse complement: COLQ is on the minus strand); deleting any 8 consecutive bases within chr3:15,451,698-15,451,707 gives the same sequence; the c. name uses the placement nearest the transcript's 3' end. VCF-style (leftmost placement, unchanged base first): chr3-15451697-GCAGGTCTC-G. GRCh37 (hg19) VCF-style: chr3-15493204-GCAGGTCTC-G.
Other names: c.1277_1284del, p.Gly426fs (NM_080538.2); c.1205_1212del, p.Gly402fs (NM_080539.4); short protein forms G402fs, G426fs, G436fs.
Identifiers: ClinVar variation 3703618 (VCV003703618.2).